The following is an entry in ClinVar:

ClinVar aggregate classification (germline): Uncertain significance (1 of 4 stars; one submission).

Conditions:
Hereditary cancer-predisposing syndrome. Also called: Neoplastic Syndromes, Hereditary; Tumor predisposition; Hereditary neoplastic syndrome; Hereditary Cancer Syndrome. Identifiers: Orphanet 140162, MedGen C0027672, MeSH D009386, MONDO:0015356.
Cardiovascular phenotype. Identifiers: MedGen CN230736.

Submission:

Ambry Genetics
Classification: Uncertain significance for Cardiovascular phenotype; Hereditary cancer-predisposing syndrome. Last evaluated: 2023-07-24. Review status: criteria provided, single submitter. Criteria: Ambry Variant Classification Scheme 2023. Collection method: clinical testing. Allele origin: germline.
Comment: The p.D254N variant (also known as c.760G>A), located in coding exon 8 of the NF1 gene, results from a G to A substitution at nucleotide position 760. The aspartic acid at codon 254 is replaced by asparagine, an amino acid with highly similar properties. This amino acid position is highly conserved in available vertebrate species. In addition, the in silico prediction for this alteration is inconclusive. Since supporting evidence is limited at this time, the clinical significance of this alteration remains unclear.

NM_001042492.3(NF1):c.760G>A (p.Asp254Asn)

Gene: NF1 (neurofibromin 1; plus strand). Cytogenetic location: 17q11.2.
Variant type: single nucleotide variant.
Coding change: c.760G>A on transcript NM_001042492.3 (MANE Select); coding-DNA position 760, G replaced by A.
Protein change: p.Asp254Asn; replaces aspartic acid 254 with asparagine.
Molecular consequence: missense variant.
Genome position (GRCh38, 1-based): chr17:31,182,537, G>A. VCF-style: chr17-31182537-G-A. GRCh37 (hg19) VCF-style: chr17-29509555-G-A.
Other names: c.760G>A, p.Asp254Asn (NM_000267.4, NM_001128147.3); short protein forms D254N.
Identifiers: ClinVar variation 3237948 (VCV003237948.1), dbSNP rs2143785251.